The following is an entry in ClinVar:

ClinVar aggregate classification (germline): Uncertain significance. Review status: criteria provided, multiple submitters, no conflicts (2 of 4 stars). 4 submissions from 4 submitters: Uncertain significance (4). Last evaluated 2026-07-06.

Conditions:
Microcephaly, normal intelligence and immunodeficiency (NBS). Also called: Ataxia telangiectasia variant V1; Immunodeficiency, microcephaly with normal intelligence; IMMUNODEFICIENCY, MICROCEPHALY, AND CHROMOSOMAL INSTABILITY; SEEMANOVA SYNDROME II; Nijmegen breakage syndrome; Microcephaly with normal intelligence immunodeficiency and lymphoreticular malignancies. Identifiers: Orphanet 647, MedGen C0398791, MONDO:0009623, OMIM 251260.
Hereditary cancer-predisposing syndrome. Also called: Neoplastic Syndromes, Hereditary; Hereditary Cancer Syndrome; Tumor predisposition; Hereditary neoplastic syndrome. Identifiers: Orphanet 140162, MedGen C0027672, MeSH D009386, MONDO:0015356.

Allele frequency attached by ClinVar (database versions not stated): gnomAD 0.00001; TOPMed 0.00001.
gnomAD v4.1: 1 of 1,612,824 alleles (0.000062%); highest among the groups gnomAD compares: South Asian, 0.0011%; no homozygotes.

Submissions (4):

Ambry Genetics
Classification: Uncertain significance for Hereditary cancer-predisposing syndrome. Last evaluated: 2026-07-06. Review status: criteria provided, single submitter. Criteria: Ambry Variant Classification Scheme 2023. Collection method: clinical testing. Allele origin: germline.
Comment: The p.I228M variant (also known as c.684A>G), located in coding exon 6 of the NBN gene, results from an A to G substitution at nucleotide position 684. The isoleucine at codon 228 is replaced by methionine, an amino acid with highly similar properties. This amino acid position is conserved. In addition, the in silico prediction for this alteration is inconclusive. Based on the available evidence, the clinical significance of this variant remains unclear.

Labcorp Genetics (formerly Invitae), Labcorp
Classification: Uncertain significance for Microcephaly, normal intelligence and immunodeficiency. Last evaluated: 2024-07-23. Review status: criteria provided, single submitter. Criteria: Invitae Variant Classification Sherloc (09022015). Collection method: clinical testing. Allele origin: germline.
Comment: This sequence change replaces isoleucine, which is neutral and non-polar, with methionine, which is neutral and non-polar, at codon 228 of the NBN protein (p.Ile228Met). This variant is not present in population databases (gnomAD no frequency). This variant has not been reported in the literature in individuals affected with NBN-related conditions. ClinVar contains an entry for this variant (Variation ID: 418762). An algorithm developed to predict the effect of missense changes on protein structure and function (PolyPhen-2) suggests that this variant is likely to be disruptive. In summary, the available evidence is currently insufficient to determine the role of this variant in disease. Therefore, it has been classified as a Variant of Uncertain Significance.

Genome-Nilou Lab
Classification: Uncertain significance for Microcephaly, normal intelligence and immunodeficiency. Last evaluated: 2021-11-07. Review status: criteria provided, single submitter. Criteria: ACMG Guidelines, 2015. Collection method: clinical testing. Allele origin: germline. Affected: no.

GeneDx
Classification: Uncertain significance. Last evaluated: 2015-03-26. Review status: criteria provided, single submitter. Criteria: GeneDx Variant Classification (06012015). Collection method: clinical testing. Allele origin: germline. Affected: yes.
Comment: This variant is denoted NBN c.684A>G at the cDNA level, p.Ile228Met (I228M) at the protein level, and results in the change of an Isoleucine to a Methionine (ATA>ATG). This variant has not, to our knowledge, been published in the literature as pathogenic or benign. NBN Ile228Met was not observed in approximately 6,500 individuals of European and African American ancestry in the NHLBI Exome Sequencing Project, indicating it is not a common benign variant in these populations. Since Isoleucine and Methionine share similar properties, this is considered a conservative amino acid substitution. NBN Ile228Met occurs at a position that is conserved across species and within the domain of interaction with MTOR, MAPKAP1 and RICTOR (UniProt). In silico analyses are inconsistent regarding the effect this variant may have on protein structure and function. Based on currently available information, it is unclear whether NBN Ile228Met is pathogenic or benign. We consider it to be a variant of uncertain significance.

NM_002485.5(NBN):c.684A>G (p.Ile228Met)

Gene: NBN (nibrin; minus strand). Cytogenetic location: 8q21.3.
Variant type: single nucleotide variant.
Coding change: c.684A>G on transcript NM_002485.5 (MANE Select); coding-DNA position 684, A replaced by G.
Protein change: p.Ile228Met; replaces isoleucine 228 with methionine.
Molecular consequence: missense variant.
Genome position (GRCh38, 1-based): chr8:89,971,191, T>C on the plus strand (A>G on the coding strand, the complement: NBN is on the minus strand). VCF-style: chr8-89971191-T-C. GRCh37 (hg19) VCF-style: chr8-90983419-T-C.
Other names: c.438A>G, p.Ile146Met (NM_001024688.3); short protein forms I228M, I146M.
Identifiers: ClinVar variation 418762 (VCV000418762.13), dbSNP rs1064793416, ClinGen allele CA16618705.